The following is an entry in ClinVar:

NM_000209.4(PDX1):c.820G>A (p.Val274Ile)

Gene: PDX1 (pancreatic and duodenal homeobox 1; plus strand). Cytogenetic location: 13q12.2.
Variant type: single nucleotide variant.
Coding change: c.820G>A on transcript NM_000209.4 (MANE Select); coding-DNA position 820, G replaced by A.
Protein change: p.Val274Ile; replaces valine 274 with isoleucine.
Molecular consequence: missense variant.
Genome position (GRCh38, 1-based): chr13:27,924,669, G>A. VCF-style: chr13-27924669-G-A. GRCh37 (hg19) VCF-style: chr13-28498806-G-A.
Other names: short protein forms V274I.
Identifiers: ClinVar variation 3677330 (VCV003677330.2).

ClinVar aggregate classification (germline): Uncertain significance (1 of 4 stars; one submission).

Submission:

Labcorp Genetics (formerly Invitae), Labcorp
Classification: Uncertain significance. Last evaluated: 2024-08-12. Review status: criteria provided, single submitter. Criteria: Invitae Variant Classification Sherloc (09022015). Collection method: clinical testing. Allele origin: germline.
Comment: This sequence change replaces valine, which is neutral and non-polar, with isoleucine, which is neutral and non-polar, at codon 274 of the PDX1 protein (p.Val274Ile). This variant is not present in population databases (gnomAD no frequency). This variant has not been reported in the literature in individuals affected with PDX1-related conditions. Advanced modeling of protein sequence and biophysical properties (such as structural, functional, and spatial information, amino acid conservation, physicochemical variation, residue mobility, and thermodynamic stability) performed at Invitae indicates that this missense variant is not expected to disrupt PDX1 protein function with a negative predictive value of 95%. In summary, the available evidence is currently insufficient to determine the role of this variant in disease. Therefore, it has been classified as a Variant of Uncertain Significance.